The following is an entry in ClinVar:

ClinVar aggregate classification (germline): Uncertain significance (1 of 4 stars; one submission).

Conditions:
Cardiomyopathy (CMYO). Also called: Cardiomyopathies. Identifiers: Orphanet 167848, MedGen C0878544, MONDO:0004994, HP:0001638. Inheritance: Various modes of inheritance.

gnomAD v4.1: 1 of 1,613,492 alleles (0.000062%); highest among the groups gnomAD compares: Non-Finnish European, 0.000085%; no homozygotes.

Submission:

Color Diagnostics, LLC DBA Color Health
Classification: Uncertain significance for Cardiomyopathy. Last evaluated: 2025-06-23. Review status: criteria provided, single submitter. Criteria: ACMG Guidelines, 2015. Collection method: clinical testing. Allele origin: germline.
Comment: This missense variant replaces threonine with isoleucine at codon 1763 of the DSP protein. Computational prediction suggests that this variant may not impact protein structure and function. To our knowledge, functional studies have not been reported for this variant. This variant has not been reported in individuals affected with DSP-related disorders in the literature. This variant has not been identified in the general population by the Genome Aggregation Database (gnomAD). The available evidence is insufficient to determine the role of this variant in disease conclusively. Therefore, this variant is classified as a Variant of Uncertain Significance.

NM_004415.4(DSP):c.5288C>T (p.Thr1763Ile)

Gene: DSP (desmoplakin; plus strand). Cytogenetic location: 6p24.3.
Variant type: single nucleotide variant.
Coding change: c.5288C>T on transcript NM_004415.4 (MANE Select); coding-DNA position 5288, C replaced by T.
Protein change: p.Thr1763Ile; replaces threonine 1763 with isoleucine.
Molecular consequence: missense variant. On other transcripts: intron variant (2).
Genome position (GRCh38, 1-based): chr6:7,581,478, C>T. VCF-style: chr6-7581478-C-T. GRCh37 (hg19) VCF-style: chr6-7581711-C-T.
Other names: c.4051-1164C>T (NM_001319034.2); c.3583-1164C>T (NM_001008844.3); short protein forms T1763I.
Identifiers: ClinVar variation 4757068 (VCV004757068.1).